The following is an entry in ClinVar:

NM_001904.4(CTNNB1):c.400C>G (p.His134Asp)

Genes: CTNNB1 (catenin beta 1; plus strand), LOC126806658 (BRD4-independent group 4 enhancer GRCh37_chr3:41265899-41267098; plus strand). Cytogenetic location: 3p22.1.
Variant type: single nucleotide variant.
Coding change: c.400C>G on transcript NM_001904.4 (MANE Select); coding-DNA position 400, C replaced by G.
Protein change: p.His134Asp; replaces histidine 134 with aspartic acid.
Molecular consequence: missense variant.
Genome position (GRCh38, 1-based): chr3:41,225,112, C>G. VCF-style: chr3-41225112-C-G. GRCh37 (hg19) VCF-style: chr3-41266603-C-G.
Other names: c.400C>G, p.His134Asp (NM_001098209.2, NM_001098210.2); c.379C>G, p.His127Asp (NM_001330729.2); short protein forms H127D, H134D.
Identifiers: ClinVar variation 1318703 (VCV001318703.2), dbSNP rs2125620667, ClinGen allele CA352229206.

ClinVar aggregate classification (germline): Uncertain significance (1 of 4 stars; one submission).

Submission:

GeneDx
Classification: Uncertain significance. Last evaluated: 2021-04-08. Review status: criteria provided, single submitter. Criteria: GeneDx Variant Classification Process June 2021. Collection method: clinical testing. Allele origin: germline. Affected: yes.
Comment: Not observed in large population cohorts (Lek et al., 2016); In silico analysis supports that this missense variant has a deleterious effect on protein structure/function; Has not been previously published as pathogenic or benign to our knowledge